The following is an entry in ClinVar:

ClinVar aggregate classification (germline): Uncertain significance. Review status: criteria provided, multiple submitters, no conflicts (2 of 4 stars). 2 submissions from 2 submitters: Uncertain significance (2). Last evaluated 2024-08-29.

Conditions:
Inborn genetic diseases. Identifiers: MedGen C0950123, MeSH D030342.

Allele frequency attached by ClinVar (database versions not stated): gnomAD 0.00001; gnomAD exomes 0.00001 and 0.00002; TOPMed 0.00001; ExAC 0.00002.
gnomAD v4.1: 18 of 1,604,002 alleles (0.0011%); highest among the groups gnomAD compares: South Asian, 0.0022%; no homozygotes.

Submissions (2):

Labcorp Genetics (formerly Invitae), Labcorp
Classification: Uncertain significance. Last evaluated: 2024-08-29. Review status: criteria provided, single submitter. Criteria: Invitae Variant Classification Sherloc (09022015). Collection method: clinical testing. Allele origin: germline.
Comment: This sequence change replaces valine, which is neutral and non-polar, with methionine, which is neutral and non-polar, at codon 2308 of the DCHS1 protein (p.Val2308Met). This variant is present in population databases (rs761710120, gnomAD 0.01%). This variant has not been reported in the literature in individuals affected with DCHS1-related conditions. ClinVar contains an entry for this variant (Variation ID: 1449349). Invitae Evidence Modeling of protein sequence and biophysical properties (such as structural, functional, and spatial information, amino acid conservation, physicochemical variation, residue mobility, and thermodynamic stability) indicates that this missense variant is not expected to disrupt DCHS1 protein function with a negative predictive value of 80%. In summary, the available evidence is currently insufficient to determine the role of this variant in disease. Therefore, it has been classified as a Variant of Uncertain Significance.

Ambry Genetics
Classification: Uncertain significance for Inborn genetic diseases. Last evaluated: 2022-10-26. Review status: criteria provided, single submitter. Criteria: Ambry Variant Classification Scheme 2023. Collection method: clinical testing. Allele origin: germline.

NM_003737.4(DCHS1):c.6922G>A (p.Val2308Met)

Gene: DCHS1 (dachsous cadherin-related 1; minus strand). Cytogenetic location: 11p15.4.
Variant type: single nucleotide variant.
Coding change: c.6922G>A on transcript NM_003737.4 (MANE Select); coding-DNA position 6922, G replaced by A.
Protein change: p.Val2308Met; replaces valine 2308 with methionine.
Molecular consequence: missense variant.
Genome position (GRCh38, 1-based): chr11:6,625,422, C>T on the plus strand (G>A on the coding strand, the complement: DCHS1 is on the minus strand). VCF-style: chr11-6625422-C-T. GRCh37 (hg19) VCF-style: chr11-6646653-C-T.
Other names: c.6922G>A (NM_003737.2); short protein forms V2308M.
Identifiers: ClinVar variation 1449349 (VCV001449349.7), dbSNP rs761710120, ClinGen allele CA5859730.
Genomic context (GRCh38, chr11:6,625,422, plus strand): 5'-CATAGCGGCCAACACTGAAGGGATCCTGGGGCCCAGATGGGCTTAGCACATACCACAGCA[C>T]GGGTCCTGAGTCCACATCATTCCCTGTTACCTGTGCAATCTCTGAGCCCAATAACGCATC-3'
Protein context (NP_003728.1, residues 2298-2318): VTGNDVDSGP[Val2308Met]LWYVLSPSGP